The following is an entry in ClinVar:

ClinVar aggregate classification (germline): Benign/Likely benign. Review status: criteria provided, multiple submitters, no conflicts (2 of 4 stars). 3 submissions from 3 submitters: Benign (1); Likely benign (1). 1 of the submissions does not count toward it. Last evaluated 2024-08-29.

Conditions:
MCM2-related disorder. Also called: MCM2-related condition.

Allele frequency attached by ClinVar (database versions not stated): gnomAD exomes 0.00011 and 0.00020; ExAC 0.00043; 1000 Genomes Project 30x 0.00047; ESP Exome Variant Server 0.00054; TOPMed 0.00055; 1000 Genomes Project 0.00060; gnomAD 0.00060 and 0.00062.

Submissions (3):

Labcorp Genetics (formerly Invitae), Labcorp
Classification: Likely benign. Last evaluated: 2024-08-29. Review status: criteria provided, single submitter. Criteria: Invitae Variant Classification Sherloc (09022015). Collection method: clinical testing. Allele origin: germline.

GeneDx
Classification: Benign. Last evaluated: 2020-03-17. Review status: criteria provided, single submitter. Criteria: GeneDx Variant Classification Process June 2021. Collection method: clinical testing. Allele origin: germline. Affected: yes.
Comment: In silico analysis supports that this missense variant has a deleterious effect on protein structure/function; Has not been previously published as pathogenic or benign to our knowledge

PreventionGenetics, part of Exact Sciences
Classification: Likely benign for MCM2-related condition. Last evaluated: 2023-05-03. Review status: no assertion criteria provided. Collection method: clinical testing. Allele origin: germline. Not counted in ClinVar's aggregate classification.
Comment: This variant is classified as likely benign based on ACMG/AMP sequence variant interpretation guidelines (Richards et al. 2015 PMID: 25741868, with internal and published modifications).

NM_004526.4(MCM2):c.398G>A (p.Arg133His)

Gene: MCM2 (minichromosome maintenance complex component 2; plus strand). Cytogenetic location: 3q21.3.
Variant type: single nucleotide variant.
Coding change: c.398G>A on transcript NM_004526.4 (MANE Select); coding-DNA position 398, G replaced by A.
Protein change: p.Arg133His; replaces arginine 133 with histidine.
Molecular consequence: missense variant. On other transcripts: non-coding transcript variant (1).
Genome position (GRCh38, 1-based): chr3:127,604,769, G>A. VCF-style: chr3-127604769-G-A. GRCh37 (hg19) VCF-style: chr3-127323612-G-A.
Other names: short protein forms R133H.
Identifiers: ClinVar variation 1280641 (VCV001280641.11), dbSNP rs34997321, ClinGen allele CA2595548.
Genomic context (GRCh38, chr3:127,604,769, plus strand): 5'-CAGAGCGGGCCATGCGGCAGCGTGACCGGGAGGCTGGCCGGGGCCTGGGCCGCATGCGCC[G>A]TGGGCTCCTGTATGGTAGGTCCAGTTGTCTGCCTGCCCGAGGGACTGGGAAGCTGGGAAG-3'
Protein context (NP_004517.2, residues 123-143): EAGRGLGRMR[Arg133His]GLLYDSDEED